The following is an entry in ClinVar:

ClinVar aggregate classification (germline): Uncertain significance (1 of 4 stars; one submission).

Conditions:
Multiple gastrointestinal atresias. Also called: Multiple intestinal atresia; FAMILIAL INTESTINAL POLYATRESIA SYNDROME. Identifiers: Orphanet 2300, MedGen C0220744, MONDO:0009465.

gnomAD v4.1: 1 of 1,614,026 alleles (0.000062%); highest among the groups gnomAD compares: Non-Finnish European, 0.000085%; no homozygotes.

Submission:

Labcorp Genetics (formerly Invitae), Labcorp
Classification: Uncertain significance for Multiple gastrointestinal atresias. Last evaluated: 2022-02-03. Review status: criteria provided, single submitter. Criteria: Invitae Variant Classification Sherloc (09022015). Collection method: clinical testing. Allele origin: germline.
Comment: This sequence change replaces serine, which is neutral and polar, with asparagine, which is neutral and polar, at codon 296 of the TTC7A protein (p.Ser296Asn). Algorithms developed to predict the effect of missense changes on protein structure and function are either unavailable or do not agree on the potential impact of this missense change (SIFT: "Tolerated"; PolyPhen-2: "Possibly Damaging"; Align-GVGD: "Class C0"). This variant has not been reported in the literature in individuals affected with TTC7A-related conditions. This variant is not present in population databases (gnomAD no frequency). In summary, the available evidence is currently insufficient to determine the role of this variant in disease. Therefore, it has been classified as a Variant of Uncertain Significance.

NM_020458.4(TTC7A):c.887G>A (p.Ser296Asn)

Gene: TTC7A (tetratricopeptide repeat domain 7A; plus strand). Cytogenetic location: 2p21.
Variant type: single nucleotide variant.
Coding change: c.887G>A on transcript NM_020458.4 (MANE Select); coding-DNA position 887, G replaced by A.
Protein change: p.Ser296Asn; replaces serine 296 with asparagine.
Molecular consequence: missense variant. On other transcripts: intron variant (1).
Genome position (GRCh38, 1-based): chr2:46,994,400, G>A. VCF-style: chr2-46994400-G-A. GRCh37 (hg19) VCF-style: chr2-47221539-G-A.
Other names: c.887G>A, p.Ser296Asn (NM_001288951.2); c.785G>A, p.Ser262Asn (NM_001288953.2); c.-61-736G>A (NM_001288955.2); short protein forms S296N, S262N.
Identifiers: ClinVar variation 1433937 (VCV001433937.8), dbSNP rs771659534, ClinGen allele CA346713379.